The following is an entry in ClinVar:

ClinVar aggregate classification (germline): Uncertain significance. Review status: criteria provided, multiple submitters, no conflicts (2 of 4 stars). 2 submissions from 2 submitters: Uncertain significance (2). Last evaluated 2025-03-26.

Conditions:
Primary ciliary dyskinesia. Also called: Ciliary dyskinesia. Identifiers: Orphanet 244, MedGen C0008780, MONDO:0016575, HP:0012265.

Allele frequency attached by ClinVar (database versions not stated): gnomAD exomes below 0.00001; ExAC 0.00001; TOPMed 0.00003; gnomAD 0.00004.
gnomAD v4.1: 14 of 1,590,334 alleles (0.00088%); highest among the groups gnomAD compares: African/African-American, 0.0014%; no homozygotes.

Submissions (2):

Mayo Clinic Laboratories, Mayo Clinic
Classification: Uncertain significance. Last evaluated: 2025-03-26. Review status: criteria provided, single submitter. Criteria: ACMG Guidelines, 2015. Collection method: clinical testing. Allele origin: germline. Observed: 1 variant allele.
Comment: BP4_moderate, PM2_supporting

Labcorp Genetics (formerly Invitae), Labcorp
Classification: Uncertain significance for Primary ciliary dyskinesia. Last evaluated: 2021-09-24. Review status: criteria provided, single submitter. Criteria: Invitae Variant Classification Sherloc (09022015). Collection method: clinical testing. Allele origin: germline.
Comment: This sequence change replaces lysine with arginine at codon 339 of the DNAH8 protein (p.Lys339Arg). The lysine residue is moderately conserved and there is a small physicochemical difference between lysine and arginine. This variant is present in population databases (rs772095746, ExAC 0.001%). This variant has not been reported in the literature in individuals affected with DNAH8-related conditions. Algorithms developed to predict the effect of missense changes on protein structure and function output the following: SIFT: "Tolerated"; PolyPhen-2: "Not Available"; Align-GVGD: "Class C0". The arginine amino acid residue is found in multiple mammalian species, which suggests that this missense change does not adversely affect protein function. Algorithms developed to predict the effect of sequence changes on RNA splicing suggest that this variant may create or strengthen a splice site. In summary, the available evidence is currently insufficient to determine the role of this variant in disease. Therefore, it has been classified as a Variant of Uncertain Significance.

NM_001206927.2(DNAH8):c.1016A>G (p.Lys339Arg)

Gene: DNAH8 (dynein axonemal heavy chain 8; plus strand). Cytogenetic location: 6p21.2.
Variant type: single nucleotide variant.
Coding change: c.1016A>G on transcript NM_001206927.2 (MANE Select); coding-DNA position 1016, A replaced by G.
Protein change: p.Lys339Arg; replaces lysine 339 with arginine.
Molecular consequence: missense variant.
Genome position (GRCh38, 1-based): chr6:38,737,872, A>G. VCF-style: chr6-38737872-A-G. GRCh37 (hg19) VCF-style: chr6-38705648-A-G.
Other names: p.Lys339Arg; c.365A>G, p.Lys122Arg (NM_001371.4); short protein forms K122R, K339R.
Identifiers: ClinVar variation 1492384 (VCV001492384.5), dbSNP rs772095746, ClinGen allele CA3788109.